The following is an entry in ClinVar:

ClinVar aggregate classification (germline): Pathogenic/Likely pathogenic. Review status: criteria provided, multiple submitters, no conflicts (2 of 4 stars). 3 submissions from 3 submitters: Pathogenic (1); Likely pathogenic (1). 1 of the submissions does not count toward it. Last evaluated 2022-11-09.

Conditions:
SOD1-related disorder. Also called: SOD1-related condition.
Spastic tetraplegia and axial hypotonia, progressive. Also called: SOD1 DEFICIENCY, AUTOSOMAL RECESSIVE. Identifiers: MedGen C5231422, MONDO:0032828, OMIM 618598.
Amyotrophic lateral sclerosis type 1 (ALS1). Also called: AMYOTROPHIC LATERAL SCLEROSIS 1, FAMILIAL. Identifiers: Orphanet 803, MedGen C1862939, MONDO:0007103, OMIM 105400.

Submissions (3):

Labcorp Genetics (formerly Invitae), Labcorp
Classification: Likely pathogenic for Amyotrophic lateral sclerosis type 1. Last evaluated: 2022-11-09. Review status: criteria provided, single submitter. Criteria: Invitae Variant Classification Sherloc (09022015). Collection method: clinical testing. Allele origin: germline.
Comment: In summary, the currently available evidence indicates that the variant is pathogenic, but additional data are needed to prove that conclusively. Therefore, this variant has been classified as Likely Pathogenic. This variant disrupts the p.Gly86 amino acid residue in SOD1. Other variant(s) that disrupt this residue have been determined to be pathogenic (PMID: 15050437, 15208263, 16945901, 20472325). This suggests that this residue is clinically significant, and that variants that disrupt this residue are likely to be disease-causing. Experimental studies have shown that this missense change affects SOD1 function (PMID: 23280792). Advanced modeling of protein sequence and biophysical properties (such as structural, functional, and spatial information, amino acid conservation, physicochemical variation, residue mobility, and thermodynamic stability) performed at Invitae indicates that this missense variant is expected to disrupt SOD1 protein function. ClinVar contains an entry for this variant (Variation ID: 932081). This variant is also known as G85S. This missense change has been observed in individual(s) with amyotrophic lateral sclerosis (PMID: 20075587, 29982983). This variant is not present in population databases (gnomAD no frequency). This sequence change replaces glycine, which is neutral and non-polar, with serine, which is neutral and polar, at codon 86 of the SOD1 protein (p.Gly86Ser).

Centre for Mendelian Genomics, University Medical Centre Ljubljana
Classification: Pathogenic for Spastic tetraplegia and axial hypotonia, progressive. Last evaluated: 2019-05-07. Review status: criteria provided, single submitter. Criteria: ACMG Guidelines, 2015. Collection method: clinical testing. Allele origin: unknown. Affected: yes.
Comment: This variant was classified as: Pathogenic. The following ACMG criteria were applied in classifying this variant: PP4,PP3,PP2,PM2,PM1,PS1,PS3.

PreventionGenetics, part of Exact Sciences
Classification: Likely pathogenic for SOD1-related condition. Last evaluated: 2024-08-06. Review status: no assertion criteria provided. Collection method: clinical testing. Allele origin: germline. Not counted in ClinVar's aggregate classification.
Comment: The SOD1 c.256G>A variant is predicted to result in the amino acid substitution p.Gly86Ser. This variant was reported in an individual with familial amyotrophic lateral sclerosis (Takazawa et al 2010. PubMed ID: 20075587). A different missense change at the same amino acid position, c.256G>C (p.Gly86Arg) has previously been reported to be causative for ALS (Rosen et al 1993. PubMed ID: 8446170; Table S2 Chen W et al 2020. PubMed ID: 32166880). This gene has a low rate of benign missense variation and missense variants are a common mechanism of disease. This variant has not been reported in a large population database, indicating this variant is rare. This variant is interpreted as likely pathogenic.

Literature cited by the submitters: PubMed 15050437 (cited by Labcorp Genetics (formerly Invitae), Labcorp); PubMed 15208263 (cited by Labcorp Genetics (formerly Invitae), Labcorp); PubMed 16945901 (cited by Labcorp Genetics (formerly Invitae), Labcorp); PubMed 20472325 (cited by Labcorp Genetics (formerly Invitae), Labcorp); PubMed 23280792 (cited by Labcorp Genetics (formerly Invitae), Labcorp); PubMed 20075587 (cited by Labcorp Genetics (formerly Invitae), Labcorp); PubMed 29982983 (cited by Labcorp Genetics (formerly Invitae), Labcorp).

NM_000454.5(SOD1):c.256G>A (p.Gly86Ser)

Gene: SOD1 (superoxide dismutase 1; plus strand). Cytogenetic location: 21q22.11.
Variant type: single nucleotide variant.
Coding change: c.256G>A on transcript NM_000454.5 (MANE Select); coding-DNA position 256, G replaced by A.
Protein change: p.Gly86Ser; replaces glycine 86 with serine.
Molecular consequence: missense variant.
Genome position (GRCh38, 1-based): chr21:31,667,274, G>A. VCF-style: chr21-31667274-G-A. GRCh37 (hg19) VCF-style: chr21-33039587-G-A.
Other names: short protein forms G86S.
Identifiers: ClinVar variation 932081 (VCV000932081.10), dbSNP rs121912436, ClinGen allele CA410037406.